The following is an entry in ClinVar:

ClinVar aggregate classification (germline): Uncertain significance. Review status: criteria provided, multiple submitters, no conflicts (2 of 4 stars). 2 submissions from 2 submitters: Uncertain significance (2). Last evaluated 2023-12-22.

Conditions:
Ellis-van Creveld syndrome (EVC). Also called: Chondroectodermal dysplasia; EVC-Related Ellis-van Creveld Syndrome; EVC2-Related Ellis-van Creveld Syndrome; MESOECTODERMAL DYSPLASIA. Identifiers: Orphanet 289, MedGen C0013903, MONDO:0009162, OMIM 225500.
Curry-Hall syndrome (WAD). Also called: WEYERS ACRODENTAL DYSOSTOSIS. Identifiers: Orphanet 952, MedGen C0457013, MONDO:0008673, OMIM 193530.

Allele frequency attached by ClinVar (database versions not stated): gnomAD 0.00001; TOPMed 0.00001; gnomAD exomes 0.00002 and 0.00003; ExAC 0.00003.
gnomAD v4.1: 43 of 1,613,408 alleles (0.0027%); highest among the groups gnomAD compares: South Asian, 0.0044%; no homozygotes.

Submissions (2):

Women's Health and Genetics/Laboratory Corporation of America, LabCorp
Classification: Uncertain significance. Last evaluated: 2023-12-22. Review status: criteria provided, single submitter. Criteria: LabCorp Variant Classification Summary - May 2015. Collection method: clinical testing. Allele origin: germline.
Comment: Variant summary: EVC c.1955G>A (p.Arg652His) results in a non-conservative amino acid change in the encoded protein sequence. Four of five in-silico tools predict a damaging effect of the variant on protein function. The variant allele was found at a frequency of 1.6e-05 in 249650 control chromosomes (gnomAD). The available data on variant occurrences in the general population are insufficient to allow any conclusion about variant significance. To our knowledge, no occurrence of c.1955G>A in individuals affected with Ellis-van Creveld syndrome and no experimental evidence demonstrating its impact on protein function have been reported. One submitter has cited a clinical-significance assessments for this variant to ClinVar after 2014 and has classified the variant as uncertain significance. Based on the evidence outlined above, the variant was classified as uncertain significance.

Labcorp Genetics (formerly Invitae), Labcorp
Classification: Uncertain significance for Curry-Hall syndrome; Ellis-van Creveld syndrome. Last evaluated: 2021-08-30. Review status: criteria provided, single submitter. Criteria: Invitae Variant Classification Sherloc (09022015). Collection method: clinical testing. Allele origin: germline.
Comment: This sequence change replaces arginine with histidine at codon 652 of the EVC protein (p.Arg652His). The arginine residue is highly conserved and there is a small physicochemical difference between arginine and histidine. This variant is present in population databases (rs765024763, ExAC 0.01%). This variant has not been reported in the literature in individuals affected with EVC-related conditions. Algorithms developed to predict the effect of missense changes on protein structure and function are either unavailable or do not agree on the potential impact of this missense change (SIFT: "Deleterious"; PolyPhen-2: "Probably Damaging"; Align-GVGD: "Class C0"). In summary, the available evidence is currently insufficient to determine the role of this variant in disease. Therefore, it has been classified as a Variant of Uncertain Significance.

NM_153717.3(EVC):c.1955G>A (p.Arg652His)

Gene: EVC (EvC ciliary complex subunit 1; plus strand). Cytogenetic location: 4p16.2.
Variant type: single nucleotide variant.
Coding change: c.1955G>A on transcript NM_153717.3 (MANE Select); coding-DNA position 1955, G replaced by A.
Protein change: p.Arg652His; replaces arginine 652 with histidine.
Molecular consequence: missense variant.
Genome position (GRCh38, 1-based): chr4:5,797,090, G>A. VCF-style: chr4-5797090-G-A. GRCh37 (hg19) VCF-style: chr4-5798817-G-A.
Other names: c.1955G>A, p.Arg652His (NM_001306090.2); short protein forms R652H.
Identifiers: ClinVar variation 1385744 (VCV001385744.7), dbSNP rs765024763, ClinGen allele CA2836328.